The following is an entry in ClinVar:

ClinVar aggregate classification (germline): Uncertain significance (1 of 4 stars; one submission).

gnomAD v4.1: 1 of 1,174,328 alleles (0.000085%); highest among the groups gnomAD compares: African/African-American, 0.0018%; no homozygotes.

Submission:

GeneDx
Classification: Uncertain significance. Last evaluated: 2022-12-02. Review status: criteria provided, single submitter. Criteria: GeneDx Variant Classification Process June 2021. Collection method: clinical testing. Allele origin: germline. Affected: yes.
Comment: Not observed at significant frequency in large population cohorts (gnomAD); In silico analysis supports that this missense variant does not alter protein structure/function; Has not been previously published as pathogenic or benign to our knowledge; Variants in candidate genes are classified as variants of uncertain significance in accordance with ACMG guidelines (Richards et al., 2015)

NM_001282874.2(SMARCA1):c.2791A>G (p.Ser931Gly)

Gene: SMARCA1 (SNF2 related chromatin remodeling ATPase 1; minus strand). Cytogenetic location: Xq25.
Variant type: single nucleotide variant.
Coding change: c.2791A>G on transcript NM_001282874.2 (MANE Select); coding-DNA position 2791, A replaced by G.
Protein change: p.Ser931Gly; replaces serine 931 with glycine.
Molecular consequence: missense variant.
Genome position (GRCh38, 1-based): chrX:129,465,870, T>C on the plus strand (A>G on the coding strand, the complement: SMARCA1 is on the minus strand). VCF-style: chrX-129465870-T-C. GRCh37 (hg19) VCF-style: chrX-128599847-T-C.
Other names: c.2755A>G, p.Ser919Gly (NM_001282875.2, NM_001378262.1, NM_001378263.1 and 1 more transcripts); c.2791A>G, p.Ser931Gly (NM_001378261.1, NM_003069.5); short protein forms S919G, S931G.
Identifiers: ClinVar variation 3899512 (VCV003899512.1).
Genomic context (GRCh38, chrX:129,465,870, plus strand): 5'-CGATCTAATAATAATTTGACATAAAACATAGTACTTTGGCATCCAGGGCTTTCTTGATAC[T>C]GATCCTTCGTTGAATTCTTGCTTCTCCACGTTCAATTTGAGCCATAATTTTCTCAATGTC-3'
Protein context (NP_001269803.1, residues 921-941): RGEARIQRRI[Ser931Gly]IKKALDAKIA